The following is an entry in ClinVar:

ClinVar aggregate classification (germline): Pathogenic (1 of 4 stars; one submission).

Conditions:
Hereditary cancer-predisposing syndrome. Also called: Tumor predisposition; Neoplastic Syndromes, Hereditary; Hereditary neoplastic syndrome; Hereditary Cancer Syndrome. Identifiers: Orphanet 140162, MedGen C0027672, MeSH D009386, MONDO:0015356.

Submission:

Ambry Genetics
Classification: Pathogenic for Hereditary cancer-predisposing syndrome. Last evaluated: 2025-07-21. Review status: criteria provided, single submitter. Criteria: Ambry Variant Classification Scheme 2023. Collection method: clinical testing. Allele origin: germline.
Comment: The p.Y90* pathogenic mutation (also known as c.270T>G), located in coding exon 1 of the MEN1 gene, results from a T to G substitution at nucleotide position 270. This changes the amino acid from a tyrosine to a stop codon within coding exon 1. This variant is considered to be rare based on population cohorts in the Genome Aggregation Database (gnomAD). This alteration is expected to result in loss of function by premature protein truncation or nonsense-mediated mRNA decay. As such, this alteration is interpreted as a disease-causing mutation.

NM_001370259.2(MEN1):c.270T>G (p.Tyr90Ter)

Gene: MEN1 (menin 1; minus strand). Cytogenetic location: 11q13.1.
Variant type: single nucleotide variant.
Coding change: c.270T>G on transcript NM_001370259.2 (MANE Select); coding-DNA position 270, T replaced by G.
Protein change: p.Tyr90Ter; replaces tyrosine 90 with a stop codon.
Molecular consequence: nonsense. On other transcripts: non-coding transcript variant (4).
Genome position (GRCh38, 1-based): chr11:64,809,840, A>C on the plus strand (T>G on the coding strand, the complement: MEN1 is on the minus strand). VCF-style: chr11-64809840-A-C. GRCh37 (hg19) VCF-style: chr11-64577312-A-C.
Other names: c.270T>G, p.Tyr90Ter (NM_001407144.1, NM_001407145.1, NM_001407146.1 and 20 more transcripts); short protein forms Y90*.
Identifiers: ClinVar variation 4106568 (VCV004106568.1).
Genomic context (GRCh38, chr11:64,809,840, plus strand): 5'-CCCTTCTCGAGGATAGAGGGACAGGTCGACGGCGCCTCGGATCTGGGCGGTGAAGCGGGC[A>C]TAGAGGGCGGCGATGATAGACAGGTCGGCCACGGGAAAGTAGGTGAGGCCGCCAGGCGGG-3'